The following is an entry in ClinVar:

NM_000051.4(ATM):c.3498T>C (p.Pro1166=)

Gene: ATM (ATM serine/threonine kinase; plus strand). Cytogenetic location: 11q22.3.
Variant type: single nucleotide variant.
Coding change: c.3498T>C on transcript NM_000051.4 (MANE Select); coding-DNA position 3498, T replaced by C.
Protein change: p.Pro1166=; no amino-acid change (proline 1166 retained).
Molecular consequence: synonymous variant.
Genome position (GRCh38, 1-based): chr11:108,281,090, T>C. VCF-style: chr11-108281090-T-C. GRCh37 (hg19) VCF-style: chr11-108151817-T-C.
Other names: c.3498T>C, p.Pro1166= (NM_001351834.2).
Identifiers: ClinVar variation 514427 (VCV000514427.15), dbSNP rs1555091273, ClinGen allele CA476672891.

ClinVar aggregate classification (germline): Benign/Likely benign. Review status: criteria provided, multiple submitters, no conflicts (2 of 4 stars). 4 submissions from 4 submitters: Benign (1); Likely benign (3). Last evaluated 2024-05-14.

Conditions:
Hereditary cancer-predisposing syndrome. Also called: Hereditary Cancer Syndrome; Tumor predisposition; Neoplastic Syndromes, Hereditary; Hereditary neoplastic syndrome. Identifiers: Orphanet 140162, MedGen C0027672, MeSH D009386, MONDO:0015356.
Familial cancer of breast. Also called: BREAST CANCER, FAMILIAL; Hereditary breast cancer; hereditary breast carcinoma. Identifiers: Orphanet 227535, MedGen C0346153, MONDO:0016419, OMIM 114480. Disease mechanism: loss of function.
Ataxia-telangiectasia syndrome (AT). Also called: Cerebello-oculocutaneous telangiectasia; Immunodeficiency with ataxia telangiectasia; AT, COMPLEMENTATION GROUP C; Ataxia-telangiectasia, complementation group D; LOUIS-BAR SYNDROME; Ataxia-telangiectasia, complementation group E. Identifiers: Orphanet 100, MedGen C0004135, MONDO:0008840, OMIM 208900.

Submissions (4):

Myriad Genetics, Inc.
Classification: Benign for Familial cancer of breast. Last evaluated: 2024-05-14. Review status: criteria provided, single submitter. Criteria: Myriad Autosomal Dominant, Autosomal Recessive and X-Linked Classification Criteria (2023). Collection method: clinical testing. Allele origin: unknown.
Comment: This variant is considered benign. This variant is a silent/synonymous amino acid change and it is not expected to impact splicing.

Labcorp Genetics (formerly Invitae), Labcorp
Classification: Likely benign for Ataxia-telangiectasia syndrome. Last evaluated: 2024-04-18. Review status: criteria provided, single submitter. Criteria: Invitae Variant Classification Sherloc (09022015). Collection method: clinical testing. Allele origin: germline.

Ambry Genetics
Classification: Likely benign for Hereditary cancer-predisposing syndrome. Last evaluated: 2018-09-21. Review status: criteria provided, single submitter. Criteria: Ambry Variant Classification Scheme 2023. Collection method: clinical testing. Allele origin: germline.

GeneDx
Classification: Likely benign. Last evaluated: 2017-12-29. Review status: criteria provided, single submitter. Criteria: GeneDx Variant Classification (06012015). Collection method: clinical testing. Allele origin: germline. Affected: yes.
Comment: This variant is considered likely benign or benign based on one or more of the following criteria: it is a conservative change, it occurs at a poorly conserved position in the protein, it is predicted to be benign by multiple in silico algorithms, and/or has population frequency not consistent with disease.